The following is an entry in ClinVar:

ClinVar aggregate classification (germline): Likely benign. Review status: criteria provided, multiple submitters, no conflicts (2 of 4 stars). 2 submissions from 2 submitters: Likely benign (2). Last evaluated 2023-05-04.

Conditions:
RYR1-related disorder. Also called: RYR1-related condition; RYR1-related disorders. Identifiers: MedGen CN239331.
Malignant hyperthermia, susceptibility to, 1 (MHS1). Also called: RYR1-Related Malignant Hyperthermia Susceptibility; Malignant hyperthermia suceptibility 1; Anesthesia related hyperthermia; Malignant hyperpyrexia; Fulminating hyperpyrexia; Pharmacogenic myopathy. Identifiers: Orphanet 423, MedGen C2930980, MONDO:0007783, OMIM 145600.

Allele frequency attached by ClinVar (database versions not stated): gnomAD exomes below 0.00001; ExAC 0.00001.

Submissions (2):

All of Us Research Program, National Institutes of Health
Classification: Likely benign for Malignant hyperthermia, susceptibility to, 1. Last evaluated: 2023-05-04. Review status: criteria provided, single submitter. Criteria: ACMG Guidelines, 2015. Collection method: clinical testing. Allele origin: germline. Inheritance: Autosomal dominant inheritance. Observed: 1 variant allele, 1 heterozygote.
Comment: This study involves interpretation of variants in research participants for the purpose of population health screening. Participant phenotype was not available at the time of variant classification. Additional details can be found in publication PMID: 35346344, PMCID: PMC8962531

Labcorp Genetics (formerly Invitae), Labcorp
Classification: Likely benign for RYR1-related disorder. Last evaluated: 2020-12-10. Review status: criteria provided, single submitter. Criteria: Invitae Variant Classification Sherloc (09022015). Collection method: clinical testing. Allele origin: germline.

NM_000540.3(RYR1):c.3390C>G (p.Arg1130=)

Gene: RYR1 (ryanodine receptor 1; plus strand). Cytogenetic location: 19q13.2.
Variant type: single nucleotide variant.
Coding change: c.3390C>G on transcript NM_000540.3 (MANE Select); coding-DNA position 3390, C replaced by G.
Protein change: p.Arg1130=; no amino-acid change (arginine 1130 retained).
Molecular consequence: synonymous variant.
Genome position (GRCh38, 1-based): chr19:38,468,974, C>G. VCF-style: chr19-38468974-C-G. GRCh37 (hg19) VCF-style: chr19-38959614-C-G.
Other names: c.3390C>G, p.Arg1130= (NM_001042723.2).
Identifiers: ClinVar variation 1536149 (VCV001536149.9), dbSNP rs780582458, ClinGen allele CA064796.
Genomic context (GRCh38, chr19:38,468,974, plus strand): 5'-CCATTTCTCTGTGTGTCTCCCCACACCATGTCTTCTCTGGCTGTCCTCACAGGGCCAGCG[C>G]TGGCACTTGGGCAGTGAACCATTTGGGCGCCCCTGGCAGCCGGGCGATGTCGTTGGCTGT-3'
Protein context (NP_000531.2, residues 1120-1140): AYVFNGHRGQ[Arg1130=]WHLGSEPFGR